The following is an entry in ClinVar:

ClinVar aggregate classification (germline): Likely benign. Review status: criteria provided, multiple submitters, no conflicts (2 of 4 stars). 2 submissions from 2 submitters: Likely benign (2). Last evaluated 2025-10-07.

Allele frequency attached by ClinVar (database versions not stated): ExAC 0.00007; TOPMed 0.00008; gnomAD 0.00011.
gnomAD v4.1: 159 of 1,614,012 alleles (0.0099%); highest among the groups gnomAD compares: Non-Finnish European, 0.012%; no homozygotes.

Submissions (2):

Labcorp Genetics (formerly Invitae), Labcorp
Classification: Likely benign. Last evaluated: 2025-10-07. Review status: criteria provided, single submitter. Criteria: Invitae Variant Classification Sherloc (09022015). Collection method: clinical testing. Allele origin: germline.

GeneDx
Classification: Likely benign. Last evaluated: 2019-09-19. Review status: criteria provided, single submitter. Criteria: GeneDx Variant Classification Process June 2021. Collection method: clinical testing. Allele origin: germline. Affected: yes.
Comment: See Variant Classification Assertion Criteria.

NM_138691.3(TMC1):c.1773C>T (p.Ser591=)

Gene: TMC1 (transmembrane channel like 1; plus strand). Cytogenetic location: 9q21.13.
Variant type: single nucleotide variant.
Coding change: c.1773C>T on transcript NM_138691.3 (MANE Select); coding-DNA position 1773, C replaced by T.
Protein change: p.Ser591=; no amino-acid change (serine 591 retained).
Molecular consequence: synonymous variant.
Genome position (GRCh38, 1-based): chr9:72,820,851, C>T. VCF-style: chr9-72820851-C-T. GRCh37 (hg19) VCF-style: chr9-75435767-C-T.
Identifiers: ClinVar variation 2068903 (VCV002068903.5), dbSNP rs767247084, ClinGen allele CA5082074.